The following is an entry in ClinVar:

NM_001395002.1(MAP4K4):c.214A>G (p.Met72Val)

Gene: MAP4K4 (mitogen-activated protein kinase kinase kinase kinase 4; plus strand). Cytogenetic location: 2q11.2.
Variant type: single nucleotide variant.
Coding change: c.214A>G on transcript NM_001395002.1 (MANE Select); coding-DNA position 214, A replaced by G.
Protein change: p.Met72Val; replaces methionine 72 with valine.
Molecular consequence: missense variant. On other transcripts: non-coding transcript variant (4).
Genome position (GRCh38, 1-based): chr2:101,823,961, A>G. VCF-style: chr2-101823961-A-G. GRCh37 (hg19) VCF-style: chr2-102440423-A-G.
Other names: c.214A>G, p.Met72Val (NM_001242559.2, NM_001242560.2, NM_001384476.1 and 28 more transcripts); c.187A>G, p.Met63Val (NM_001384549.1, NM_001384550.1, NM_001384551.1 and 16 more transcripts); short protein forms M63V, M72V.
Identifiers: ClinVar variation 4975882 (VCV004975882.1).

ClinVar aggregate classification (germline): Uncertain significance (1 of 4 stars; one submission).

gnomAD v4.1: 2 of 1,607,420 alleles (0.00012%); highest among the groups gnomAD compares: African/African-American, 0.0013%; no homozygotes.

Submission:

GeneDx
Classification: Uncertain significance. Last evaluated: 2026-01-30. Review status: criteria provided, single submitter. Criteria: GeneDx Variant Classification Process June 2021. Collection method: clinical testing. Allele origin: germline.
Comment: Not observed at significant frequency in large population cohorts (gnomAD); In silico analysis supports that this missense variant has a deleterious effect on protein structure/function; Has not been previously published as pathogenic or benign to our knowledge